The following is an entry in ClinVar:

ClinVar aggregate classification (germline): Likely benign (1 of 4 stars; one submission).

Conditions:
Maturity-onset diabetes of the young type 7 (MODY7). Identifiers: Orphanet 552, MedGen C1864839, MONDO:0012513, OMIM 610508.

Allele frequency attached by ClinVar (database versions not stated): gnomAD exomes 0.00009; gnomAD 0.00017 and 0.00024; TOPMed 0.00019; 1000 Genomes Project 30x 0.00125; 1000 Genomes Project 0.00140.
gnomAD v4.1: 56 of 398,690 alleles (0.014%); highest among the groups gnomAD compares: East Asian, 0.19%; no homozygotes.

Submission:

Illumina Laboratory Services, Illumina
Classification: Likely benign for Maturity-onset diabetes of the young type 7. Last evaluated: 2018-01-12. Review status: criteria provided, single submitter. Criteria: ICSL Variant Classification Criteria 13 December 2019. Collection method: clinical testing. Allele origin: germline.
Comment: This variant was observed in the ICSL laboratory as part of a predisposition screen in an ostensibly healthy population. It had not been previously curated by ICSL or reported in the Human Gene Mutation Database (HGMD: prior to June 1st, 2018), and was therefore a candidate for classification through an automated scoring system. Utilizing variant allele frequency, disease prevalence and penetrance estimates, and inheritance mode, an automated score was calculated to assess if this variant is too frequent to cause the disease. Based on the score and internal cut-off values, a variant classified as likely benign is not then subjected to further curation. The score for this variant resulted in a classification of likely benign for this disease.

NM_003597.5(KLF11):c.*982G>A

Gene: KLF11 (KLF transcription factor 11; plus strand). Cytogenetic location: 2p25.1.
Variant type: single nucleotide variant.
Coding change: c.*982G>A on transcript NM_003597.5 (MANE Select); 982 bases downstream of the stop codon, G replaced by A.
Molecular consequence: 3 prime UTR variant.
Genome position (GRCh38, 1-based): chr2:10,053,489, G>A. VCF-style: chr2-10053489-G-A. GRCh37 (hg19) VCF-style: chr2-10193616-G-A.
Other names: c.*982G>A (NM_001177716.2, NM_001177718.2).
Identifiers: ClinVar variation 330662 (VCV000330662.5), dbSNP rs550807244, ClinGen allele CA10610538.
Genomic context (GRCh38, chr2:10,053,489, plus strand): 5'-TTATCCGTACTATATTGTGGGTAGAGTAACTTCTCAGAAAAAAAGGAAATGTCTGTATTG[G>A]TTGGATGAAACTCCACCAGAGCACAGCTTAGCTGGGGCGAGATGCATGTGAAGGCAGGCA-3'